The following is an entry in ClinVar:

ClinVar aggregate classification (germline): Uncertain significance (1 of 4 stars; one submission).

Conditions:
Severe combined immunodeficiency due to DNA-PKcs deficiency. Also called: Immunodeficiency 26 with or without neurologic abnormalities; IMMUNODEFICIENCY 26 WITH NEUROLOGIC ABNORMALITIES. Identifiers: Orphanet 317425, MedGen C4014833, MONDO:0014423, OMIM 615966.

Allele frequency attached by ClinVar (database versions not stated): TOPMed below 0.00001; gnomAD 0.00001; gnomAD exomes 0.00001.
gnomAD v4.1: 4 of 1,613,150 alleles (0.00025%); highest among the groups gnomAD compares: Non-Finnish European, 0.00034%; no homozygotes.

Submission:

Labcorp Genetics (formerly Invitae), Labcorp
Classification: Uncertain significance for Severe combined immunodeficiency due to DNA-PKcs deficiency. Last evaluated: 2021-05-28. Review status: criteria provided, single submitter. Criteria: Invitae Variant Classification Sherloc (09022015). Collection method: clinical testing. Allele origin: germline.
Comment: This sequence change replaces threonine with alanine at codon 3547 of the PRKDC protein (p.Thr3547Ala). The threonine residue is weakly conserved and there is a small physicochemical difference between threonine and alanine. In summary, the available evidence is currently insufficient to determine the role of this variant in disease. Therefore, it has been classified as a Variant of Uncertain Significance. Experimental studies and prediction algorithms are not available or were not evaluated, and the functional significance of this variant is currently unknown. This variant has not been reported in the literature in individuals with PRKDC-related conditions. This variant is not present in population databases (ExAC no frequency).

NM_006904.7(PRKDC):c.10639A>G (p.Thr3547Ala)

Gene: PRKDC (protein kinase, DNA-activated, catalytic subunit; minus strand). Cytogenetic location: 8q11.21.
Variant type: single nucleotide variant.
Coding change: c.10639A>G on transcript NM_006904.7 (MANE Select); coding-DNA position 10639, A replaced by G.
Protein change: p.Thr3547Ala; replaces threonine 3547 with alanine.
Molecular consequence: missense variant.
Genome position (GRCh38, 1-based): chr8:47,794,321, T>C on the plus strand (A>G on the coding strand, the complement: PRKDC is on the minus strand). VCF-style: chr8-47794321-T-C. GRCh37 (hg19) VCF-style: chr8-48706882-T-C.
Other names: c.10639A>G, p.Thr3547Ala (NM_001081640.2); short protein forms T3547A.
Identifiers: ClinVar variation 1381104 (VCV001381104.6), dbSNP rs2086939908, ClinGen allele CA371133609.